The following is an entry in ClinVar:

NM_000531.6(OTC):c.78G>T (p.Arg26=)

Gene: OTC (ornithine transcarbamylase; plus strand). Cytogenetic location: Xp11.4.
Variant type: single nucleotide variant.
Coding change: c.78G>T on transcript NM_000531.6 (MANE Select); coding-DNA position 78, G replaced by T.
Protein change: p.Arg26=; no amino-acid change (arginine 26 retained).
Molecular consequence: synonymous variant.
Genome position (GRCh38, 1-based): chrX:38,367,291, G>T. VCF-style: chrX-38367291-G-T. GRCh37 (hg19) VCF-style: chrX-38226544-G-T.
Other names: c.78G>T, p.Arg26= (NM_001407092.1).
Identifiers: ClinVar variation 3072519 (VCV003072519.1), dbSNP rs141273695, ClinGen allele CA515643880.
Genomic context (GRCh38, chrX:38,367,291, plus strand): 5'-CCATAGTACATGGGTCTTTTCTGAAATACATATTTCTCCCTTTTAAATCTCTTTTTACAG[G>T]TGTGGACAACCACTACAAAATAAAGTGCAGCTGAAGGGCCGTGACCTTCTCACTCTAAAA-3'
Protein context (NP_000522.3, residues 16-36): NGHNFMVRNF[Arg26=]CGQPLQNKVQ

ClinVar aggregate classification (germline): Likely benign (1 of 4 stars; one submission).

Conditions:
Ornithine carbamoyltransferase deficiency (OTCD). Also called: ORNITHINE TRANSCARBAMYLASE DEFICIENCY; ORNITHINE TRANSCARBAMYLASE DEFICIENCY, HYPERAMMONEMIA DUE TO; OTC DEFICIENCY; Ornithine Carbamoyltransferase Deficiency Disease. Identifiers: Orphanet 664, MedGen C0268542, MONDO:0010703, OMIM 311250.

gnomAD v4.1: 10 of 1,202,880 alleles (0.00083%); highest among the groups gnomAD compares: Non-Finnish European, 0.0011%; no homozygotes.

Submission:

All of Us Research Program, National Institutes of Health
Classification: Likely benign for Ornithine carbamoyltransferase deficiency. Last evaluated: 2023-07-22. Review status: criteria provided, single submitter. Criteria: ACMG Guidelines, 2015. Collection method: clinical testing. Allele origin: germline. Inheritance: X-linked inheritance. Observed: 1 variant allele, 1 heterozygote.
Comment: This study involves interpretation of variants in research participants for the purpose of population health screening. Participant phenotype was not available at the time of variant classification. Additional details can be found in publication PMID: 35346344, PMCID: PMC8962531